The following is an entry in ClinVar:

NM_002025.4(AFF2):c.1526C>A (p.Ser509Tyr)

Gene: AFF2 (ALF transcription elongation factor 2; plus strand). Cytogenetic location: Xq28.
Variant type: single nucleotide variant.
Coding change: c.1526C>A on transcript NM_002025.4 (MANE Select); coding-DNA position 1526, C replaced by A.
Protein change: p.Ser509Tyr; replaces serine 509 with tyrosine.
Molecular consequence: missense variant.
Genome position (GRCh38, 1-based): chrX:148,953,708, C>A. VCF-style: chrX-148953708-C-A. GRCh37 (hg19) VCF-style: chrX-148035238-C-A.
Other names: c.1427C>A, p.Ser476Tyr (NM_001169122.2); c.1496C>A, p.Ser499Tyr (NM_001169123.2); c.1421C>A, p.Ser474Tyr (NM_001169124.2); c.1409C>A, p.Ser470Tyr (NM_001169125.2); c.449C>A, p.Ser150Tyr (NM_001170628.1); short protein forms S150Y, S470Y, S474Y, S476Y, S499Y, S509Y.
Identifiers: ClinVar variation 4071724 (VCV004071724.1).
Genomic context (GRCh38, chrX:148,953,708, plus strand): 5'-AATCGGAGAGCAGCTCTGAGTCGGATTCAGACACTGAAAGTAGCACCACTGACAGCGAAT[C>A]TAATGAGGCACCTCGTGTGGCAACTCCAGAGGTGAGTGAAGGTGCCAGGGCCCTAACCAT-3'
Protein context (NP_002016.2, residues 499-519): DTESSTTDSE[Ser509Tyr]NEAPRVATPE

ClinVar aggregate classification (germline): Uncertain significance (1 of 4 stars; one submission).

gnomAD v4.1: 1 of 1,210,447 alleles (0.000083%); highest among the groups gnomAD compares: South Asian, 0.0018%; no homozygotes.

Submission:

GeneDx
Classification: Uncertain significance. Last evaluated: 2025-01-22. Review status: criteria provided, single submitter. Criteria: GeneDx Variant Classification Process June 2021. Collection method: clinical testing. Allele origin: germline. Affected: yes.
Comment: Not observed at significant frequency in large population cohorts (gnomAD); In silico analysis supports that this missense variant has a deleterious effect on protein structure/function; Has not been previously published as pathogenic or benign to our knowledge